The following is an entry in ClinVar:

NM_000037.4(ANK1):c.2716G>T (p.Ala906Ser)

Gene: ANK1 (ankyrin 1; minus strand). Cytogenetic location: 8p11.21.
Variant type: single nucleotide variant.
Coding change: c.2716G>T on transcript NM_000037.4 (MANE Select); coding-DNA position 2716, G replaced by T.
Protein change: p.Ala906Ser; replaces alanine 906 with serine.
Molecular consequence: missense variant.
Genome position (GRCh38, 1-based): chr8:41,696,695, C>A on the plus strand (G>T on the coding strand, the complement: ANK1 is on the minus strand). VCF-style: chr8-41696695-C-A. GRCh37 (hg19) VCF-style: chr8-41554213-C-A.
Other names: c.2839G>T, p.Ala947Ser (NM_001142446.2); c.2716G>T, p.Ala906Ser (NM_020475.3, NM_020476.3, NM_020477.3); short protein forms A947S, A906S.
Identifiers: ClinVar variation 4767163 (VCV004767163.1).
Genomic context (GRCh38, chr8:41,696,695, plus strand): 5'-GATGGAGACAGGAGTCCCCGAGCCCTGCGCCCGCCACTCACCCTGTATGCACCGGGCTGG[C>A]CACCGGGCTGATGTTGTCTGAGGTCTCGGTGGCCGGGCTGCTGGGGATGAGGGAGTCCTC-3'
Protein context (NP_000028.3, residues 896-916): TETSDNISPV[Ala906Ser]SPVHTGFLVS

ClinVar aggregate classification (germline): Uncertain significance (1 of 4 stars; one submission).

gnomAD v4.1: 7 of 1,603,532 alleles (0.00044%); highest among the groups gnomAD compares: Admixed American, 0.0083%; no homozygotes.

Submission:

Labcorp Genetics (formerly Invitae), Labcorp
Classification: Uncertain significance. Last evaluated: 2025-04-02. Review status: criteria provided, single submitter. Criteria: Invitae Variant Classification Sherloc (09022015). Collection method: clinical testing. Allele origin: germline.
Comment: This sequence change replaces alanine, which is neutral and non-polar, with serine, which is neutral and polar, at codon 906 of the ANK1 protein (p.Ala906Ser). This variant is present in population databases (rs755101684, gnomAD 0.01%). This variant has not been reported in the literature in individuals affected with ANK1-related conditions. Invitae Evidence Modeling of protein sequence and biophysical properties (such as structural, functional, and spatial information, amino acid conservation, physicochemical variation, residue mobility, and thermodynamic stability) indicates that this missense variant is not expected to disrupt ANK1 protein function with a negative predictive value of 80%. In summary, the available evidence is currently insufficient to determine the role of this variant in disease. Therefore, it has been classified as a Variant of Uncertain Significance.